The following is an entry in ClinVar:

NM_000548.5(TSC2):c.3012T>A (p.Asp1004Glu)

Gene: TSC2 (TSC complex subunit 2; plus strand). Cytogenetic location: 16p13.3.
Variant type: single nucleotide variant.
Coding change: c.3012T>A on transcript NM_000548.5 (MANE Select); coding-DNA position 3012, T replaced by A.
Protein change: p.Asp1004Glu; replaces aspartic acid 1004 with glutamic acid.
Molecular consequence: missense variant. On other transcripts: non-coding transcript variant (5).
Genome position (GRCh38, 1-based): chr16:2,079,077, T>A. VCF-style: chr16-2079077-T-A. GRCh37 (hg19) VCF-style: chr16-2129078-T-A.
Other names: c.3009T>A, p.Asp1003Glu (NM_001406663.1, NM_001406664.1); c.2880T>A, p.Asp960Glu (NM_001406665.1, NM_001077183.3, NM_001370404.1); c.2871T>A, p.Asp957Glu (NM_001406671.1); c.2973T>A, p.Asp991Glu (NM_001406667.1); c.2970T>A, p.Asp990Glu (NM_001406668.1); c.2901T>A, p.Asp967Glu (NM_001406670.1); c.3012T>A, p.Asp1004Glu (NM_001114382.3); c.2772T>A, p.Asp924Glu (NM_001318827.2); and 18 more; short protein forms D761E, D803E, D911E, D954E, D956E, D1003E, D512E, D941E.
Identifiers: ClinVar variation 3462582 (VCV003462582.1).

ClinVar aggregate classification (germline): Uncertain significance (1 of 4 stars; one submission).

Conditions:
Hereditary cancer-predisposing syndrome. Also called: Tumor predisposition; Neoplastic Syndromes, Hereditary; Hereditary neoplastic syndrome; Hereditary Cancer Syndrome. Identifiers: Orphanet 140162, MedGen C0027672, MeSH D009386, MONDO:0015356.

Submission:

Ambry Genetics
Classification: Uncertain significance for Hereditary cancer-predisposing syndrome. Last evaluated: 2024-07-09. Review status: criteria provided, single submitter. Criteria: Ambry Variant Classification Scheme 2023. Collection method: clinical testing. Allele origin: germline.
Comment: The p.D1004E variant (also known as c.3012T>A), located in coding exon 26 of the TSC2 gene, results from a T to A substitution at nucleotide position 3012. The aspartic acid at codon 1004 is replaced by glutamic acid, an amino acid with highly similar properties. This amino acid position is conserved. In addition, the in silico prediction for this alteration is inconclusive. Based on the available evidence, the clinical significance of this variant remains unclear.